The following is an entry in ClinVar:

NM_007194.4(CHEK2):c.82T>C (p.Ser28Pro)

Gene: CHEK2 (checkpoint kinase 2; minus strand). Cytogenetic location: 22q12.1.
Variant type: single nucleotide variant.
Coding change: c.82T>C on transcript NM_007194.4 (MANE Select); coding-DNA position 82, T replaced by C.
Protein change: p.Ser28Pro; replaces serine 28 with proline.
Molecular consequence: missense variant.
Genome position (GRCh38, 1-based): chr22:28,734,640, A>G on the plus strand (T>C on the coding strand, the complement: CHEK2 is on the minus strand). VCF-style: chr22-28734640-A-G. GRCh37 (hg19) VCF-style: chr22-29130628-A-G.
Other names: c.82T>C, p.Ser28Pro (NM_001005735.3, NM_001349956.3, NM_145862.3); c.-696T>C (NM_001257387.3); short protein forms S28P.
Identifiers: ClinVar variation 1964444 (VCV001964444.5), dbSNP rs2146153040, ClinGen allele CA411091623.

ClinVar aggregate classification (germline): Uncertain significance (1 of 4 stars; one submission).

Conditions:
Familial cancer of breast. Also called: hereditary breast carcinoma; BREAST CANCER, FAMILIAL; Hereditary breast cancer. Identifiers: Orphanet 227535, MedGen C0346153, MONDO:0016419, OMIM 114480. Disease mechanism: loss of function.

Submission:

Labcorp Genetics (formerly Invitae), Labcorp
Classification: Uncertain significance for Familial cancer of breast. Last evaluated: 2022-08-16. Review status: criteria provided, single submitter. Criteria: Invitae Variant Classification Sherloc (09022015). Collection method: clinical testing. Allele origin: germline.
Comment: This sequence change replaces serine, which is neutral and polar, with proline, which is neutral and non-polar, at codon 28 of the CHEK2 protein (p.Ser28Pro). This variant is not present in population databases (gnomAD no frequency). This variant has not been reported in the literature in individuals affected with CHEK2-related conditions. Algorithms developed to predict the effect of missense changes on protein structure and function output the following: SIFT: "Tolerated"; PolyPhen-2: "Benign"; Align-GVGD: "Class C0". The proline amino acid residue is found in multiple mammalian species, which suggests that this missense change does not adversely affect protein function. In summary, the available evidence is currently insufficient to determine the role of this variant in disease. Therefore, it has been classified as a Variant of Uncertain Significance.